The following is an entry in ClinVar:

NM_025114.4(CEP290):c.1818del (p.Gln606fs)

Gene: CEP290 (centrosomal protein 290; minus strand). Cytogenetic location: 12q21.32.
Variant type: Deletion.
Coding change: c.1818del on transcript NM_025114.4 (MANE Select); coding-DNA position 1818, one base deleted (A; older notation c.1818delA).
Protein change: p.Gln606fs; shifts the reading frame from glutamine 606.
Molecular consequence: frameshift variant.
Genome position (GRCh38, 1-based): chr12:88,117,039, T deleted on the plus strand (A on the coding strand, the reverse complement: CEP290 is on the minus strand); the first of 2 consecutive T bases (chr12:88,117,039-88,117,040); deleting either gives the same sequence. VCF-style (leftmost placement, unchanged base first): chr12-88117038-AT-A. GRCh37 (hg19) VCF-style: chr12-88510815-AT-A.
Other names: short protein forms Q606fs.
Identifiers: ClinVar variation 3754323 (VCV003754323.2).

ClinVar aggregate classification (germline): Pathogenic (1 of 4 stars; one submission).

Conditions:
Joubert syndrome. Also called: CEREBELLOPARENCHYMAL DISORDER IV; JOUBERT-BOLTSHAUSER SYNDROME; Familial aplasia of the vermis. Identifiers: Orphanet 475, MedGen C5979921, MONDO:0018772.
Nephronophthisis. Also called: Juvenile Nephronophthisis. Identifiers: Orphanet 655, MedGen C0687120, MONDO:0019005, HP:0000090.
Meckel-Gruber syndrome. Also called: DYSENCEPHALIA SPLANCHNOCYSTICA; GRUBER SYNDROME; Dysencephalia splachnocystica. Identifiers: Orphanet 564, MedGen C0265215, MONDO:0018921.

Submission:

Labcorp Genetics (formerly Invitae), Labcorp
Classification: Pathogenic for Joubert syndrome; Meckel-Gruber syndrome; Nephronophthisis. Last evaluated: 2024-02-01. Review status: criteria provided, single submitter. Criteria: Invitae Variant Classification Sherloc (09022015). Collection method: clinical testing. Allele origin: germline.
Comment: This sequence change creates a premature translational stop signal (p.Gln606Hisfs*11) in the CEP290 gene. It is expected to result in an absent or disrupted protein product. Loss-of-function variants in CEP290 are known to be pathogenic (PMID: 16909394, 17345604, 20690115). This variant is not present in population databases (gnomAD no frequency). This variant has not been reported in the literature in individuals affected with CEP290-related conditions. For these reasons, this variant has been classified as Pathogenic.

Literature cited by the submitters: PubMed 16909394; PubMed 17345604; PubMed 20690115.